The following is an entry in ClinVar:

ClinVar aggregate classification (germline): Pathogenic (1 of 4 stars; one submission).

Conditions:
Hereditary cancer-predisposing syndrome. Also called: Neoplastic Syndromes, Hereditary; Hereditary Cancer Syndrome; Tumor predisposition; Hereditary neoplastic syndrome. Identifiers: Orphanet 140162, MedGen C0027672, MeSH D009386, MONDO:0015356.

Submission:

Ambry Genetics
Classification: Pathogenic for Hereditary cancer-predisposing syndrome. Last evaluated: 2025-01-21. Review status: criteria provided, single submitter. Criteria: Ambry Variant Classification Scheme 2023. Collection method: clinical testing. Allele origin: germline.
Comment: The c.4996delG pathogenic mutation, located in coding exon 32 of the ATM gene, results from a deletion of one nucleotide at nucleotide position 4996, causing a translational frameshift with a predicted alternate stop codon (p.E1666Kfs*3). This variant is considered to be rare based on population cohorts in the Genome Aggregation Database (gnomAD). This alteration is expected to result in loss of function by premature protein truncation or nonsense-mediated mRNA decay. As such, this alteration is interpreted as a disease-causing mutation.

NM_000051.4(ATM):c.4996del (p.Glu1666fs)

Gene: ATM (ATM serine/threonine kinase; plus strand). Cytogenetic location: 11q22.3.
Variant type: Deletion.
Coding change: c.4996del on transcript NM_000051.4 (MANE Select); coding-DNA position 4996, one base deleted (G; older notation c.4996delG).
Protein change: p.Glu1666fs; shifts the reading frame from glutamic acid 1666.
Molecular consequence: frameshift variant.
Genome position (GRCh38, 1-based): chr11:108,297,373, G deleted. VCF-style (leftmost placement, unchanged base first): chr11-108297372-AG-A. GRCh37 (hg19) VCF-style: chr11-108168099-AG-A.
Other names: c.4996del, p.Glu1666fs (NM_001351834.2); short protein forms E1666fs.
Identifiers: ClinVar variation 3801625 (VCV003801625.1).